The following is an entry in ClinVar:

ClinVar aggregate classification (germline): Benign. Review status: criteria provided, multiple submitters, no conflicts (2 of 4 stars). 21 submissions from 15 submitters: Benign (18). 3 of the submissions do not count toward it. Last evaluated 2026-02-04.

Conditions:
Geleophysic dysplasia. Identifiers: Orphanet 2623, MedGen C3489726, MONDO:0000127.
Weill-Marchesani syndrome. Also called: WM Syndrome; Mesodermal dysmorphodystrophy congenital. Identifiers: Orphanet 3449, MedGen C0265313, MONDO:0018096.
Marfan syndrome (MFS). Also called: FBN1-Related Marfan Syndrome; Marfan syndrome, classic; MARFAN SYNDROME, TYPE I; Marfan syndrome type 1; Marfan's syndrome. Identifiers: Orphanet 284963, Orphanet 558, MedGen C0024796, MONDO:0007947, OMIM 154700.
Familial thoracic aortic aneurysm and aortic dissection (TAAD). Also called: Thoracic aortic aneurysms and dissections. Identifiers: Orphanet 91387, MedGen C4707243, MONDO:0019625.
Stiff skin syndrome (SSKS). Identifiers: Orphanet 2833, MedGen C1861456, MONDO:0008492, OMIM 184900.
Ectopia lentis 1, isolated, autosomal dominant (ECTOL1). Identifiers: Orphanet 1885, MedGen C3541518, MONDO:0007514, OMIM 129600.
Acromicric dysplasia (ACMICD). Also called: Acromicric skeletal dysplasia. Identifiers: Orphanet 969, MedGen C0265287, MONDO:0007055, OMIM 102370.

Allele frequency attached by ClinVar (database versions not stated): gnomAD 0.02755 and 0.02843; gnomAD exomes 0.02985 and 0.02200; 1000 Genomes Project 30x 0.04919; ExAC 0.02966; TOPMed 0.03151; ESP Exome Variant Server 0.02633; 1000 Genomes Project 0.05112.

Submissions (21):

Labcorp Genetics (formerly Invitae), Labcorp
Classification: Benign for Marfan syndrome; Familial thoracic aortic aneurysm and aortic dissection. Last evaluated: 2026-02-04. Review status: criteria provided, single submitter. Criteria: Invitae Variant Classification Sherloc (09022015). Collection method: clinical testing. Allele origin: germline.

ARUP Laboratories, Molecular Genetics and Genomics, ARUP Laboratories
Classification: Benign. Last evaluated: 2025-07-29. Review status: criteria provided, single submitter. Criteria: ARUP Molecular Germline Variant Investigation Process 2024. Collection method: clinical testing. Allele origin: germline.

Molecular Diagnostic Laboratory for Inherited Cardiovascular Disease, Montreal Heart Institute
Classification: Benign. Last evaluated: 2025-04-09. Review status: criteria provided, single submitter. Criteria: ACMG Guidelines, 2015. Collection method: clinical testing. Allele origin: germline. Affected: no.

Blueprint Genetics
Classification: Benign. Last evaluated: 2024-11-26. Review status: criteria provided, single submitter. Criteria: ACMG Guidelines, 2015. Collection method: clinical testing. Allele origin: germline.

Color Diagnostics, LLC DBA Color Health
Classification: Benign for Familial thoracic aortic aneurysm and aortic dissection. Last evaluated: 2018-03-16. Review status: criteria provided, single submitter. Criteria: ACMG Guidelines, 2015. Collection method: clinical testing. Allele origin: germline.

Illumina Laboratory Services, Illumina
Classification: Benign for Marfan syndrome. Last evaluated: 2018-01-12. Review status: criteria provided, single submitter. Criteria: ICSL Variant Classification Criteria 13 December 2019. Collection method: clinical testing. Allele origin: germline.
Comment: This variant was observed in the ICSL laboratory as part of a predisposition screen in an ostensibly healthy population. It had not been previously curated by ICSL or reported in the Human Gene Mutation Database (HGMD: prior to June 1st, 2018), and was therefore a candidate for classification through an automated scoring system. Utilizing variant allele frequency, disease prevalence and penetrance estimates, and inheritance mode, an automated score was calculated to assess if this variant is too frequent to cause the disease. Based on the score and internal cut-off values, a variant classified as benign is not then subjected to further curation. The score for this variant resulted in a classification of benign for this disease.

Illumina Laboratory Services, Illumina
Classification: Benign for Geleophysic dysplasia. Last evaluated: 2018-01-12. Review status: criteria provided, single submitter. Criteria: ICSL Variant Classification Criteria 13 December 2019. Collection method: clinical testing. Allele origin: germline.
Comment: the same text as in the submission from Illumina Laboratory Services, Illumina above.

Illumina Laboratory Services, Illumina
Classification: Benign for Weill-Marchesani syndrome. Last evaluated: 2018-01-12. Review status: criteria provided, single submitter. Criteria: ICSL Variant Classification Criteria 13 December 2019. Collection method: clinical testing. Allele origin: germline.
Comment: the same text as in the submission from Illumina Laboratory Services, Illumina above.

Illumina Laboratory Services, Illumina
Classification: Benign for Stiff skin syndrome. Last evaluated: 2018-01-12. Review status: criteria provided, single submitter. Criteria: ICSL Variant Classification Criteria 13 December 2019. Collection method: clinical testing. Allele origin: germline.
Comment: the same text as in the submission from Illumina Laboratory Services, Illumina above.

Illumina Laboratory Services, Illumina
Classification: Benign for Ectopia lentis 1, isolated, autosomal dominant. Last evaluated: 2018-01-12. Review status: criteria provided, single submitter. Criteria: ICSL Variant Classification Criteria 13 December 2019. Collection method: clinical testing. Allele origin: germline.
Comment: the same text as in the submission from Illumina Laboratory Services, Illumina above.

Illumina Laboratory Services, Illumina
Classification: Benign for Familial thoracic aortic aneurysm and aortic dissection. Last evaluated: 2018-01-12. Review status: criteria provided, single submitter. Criteria: ICSL Variant Classification Criteria 13 December 2019. Collection method: clinical testing. Allele origin: germline.
Comment: the same text as in the submission from Illumina Laboratory Services, Illumina above.

Illumina Laboratory Services, Illumina
Classification: Benign for Acromicric dysplasia. Last evaluated: 2018-01-12. Review status: criteria provided, single submitter. Criteria: ICSL Variant Classification Criteria 13 December 2019. Collection method: clinical testing. Allele origin: germline.
Comment: the same text as in the submission from Illumina Laboratory Services, Illumina above.

Ambry Genetics
Classification: Benign for Familial thoracic aortic aneurysm and aortic dissection. Last evaluated: 2014-12-30. Review status: criteria provided, single submitter. Criteria: Ambry Variant Classification Scheme 2023. Collection method: clinical testing. Allele origin: germline.

Mayo Clinic Laboratories, Mayo Clinic
Classification: Benign. Last evaluated: 2014-01-29. Review status: criteria provided, single submitter. Criteria: ACMG Guidelines, 2015. Collection method: clinical testing. Allele origin: germline. Observed: 90 variant alleles.

GeneDx
Classification: Benign. Last evaluated: 2013-05-06. Review status: criteria provided, single submitter. Criteria: GeneDx Variant Classification (06012015). Collection method: clinical testing. Allele origin: germline. Affected: yes.
Comment: This variant is considered likely benign or benign based on one or more of the following criteria: it is a conservative change, it occurs at a poorly conserved position in the protein, it is predicted to be benign by multiple in silico algorithms, and/or has population frequency not consistent with disease.

Laboratory for Molecular Medicine, Mass General Brigham Personalized Medicine
Classification: Benign. Last evaluated: 2008-01-11. Review status: criteria provided, single submitter. Criteria: LMM Criteria. Collection method: clinical testing. Allele origin: germline. Observed: 45 variant alleles.

Breakthrough Genomics
Classification: Benign. Review status: criteria provided, single submitter. Criteria: ACMG Guidelines, 2015. Collection method: not provided. Allele origin: germline. Inheritance: Autosomal dominant inheritance. Affected: yes.

PreventionGenetics, part of Exact Sciences
Classification: Benign. Review status: criteria provided, single submitter. Criteria: ACMG Guidelines, 2015. Collection method: clinical testing. Allele origin: germline.

Cohesion Phenomics
Classification: Likely benign for Marfan syndrome. Last evaluated: 2022-09-23. Review status: no assertion criteria provided. Criteria: ACMG Guidelines, 2015. Collection method: clinical testing. Allele origin: germline. Affected: yes. Not counted in ClinVar's aggregate classification.

Genome Diagnostics Laboratory, Amsterdam University Medical Center
Classification: Benign. Review status: no assertion criteria provided. Collection method: clinical testing. Allele origin: germline. Affected: yes. Study: VKGL Data-share Consensus. Not counted in ClinVar's aggregate classification.

Laboratory of Diagnostic Genome Analysis, Leiden University Medical Center (LUMC)
Classification: Benign. Review status: no assertion criteria provided. Collection method: clinical testing. Allele origin: germline. Affected: yes. Study: VKGL Data-share Consensus. Not counted in ClinVar's aggregate classification.

NM_000138.5(FBN1):c.6855T>C (p.Asp2285=)

Gene: FBN1 (fibrillin 1; minus strand). Cytogenetic location: 15q21.1.
Variant type: single nucleotide variant.
Coding change: c.6855T>C on transcript NM_000138.5 (MANE Select); coding-DNA position 6855, T replaced by C.
Protein change: p.Asp2285=; no amino-acid change (aspartic acid 2285 retained).
Molecular consequence: synonymous variant.
Genome position (GRCh38, 1-based): chr15:48,430,687, A>G on the plus strand (T>C on the coding strand, the complement: FBN1 is on the minus strand). VCF-style: chr15-48430687-A-G. GRCh37 (hg19) VCF-style: chr15-48722884-A-G.
Other names: p.D2285D:GAT>GAC; p.Asp2285=.
Identifiers: ClinVar variation 42412 (VCV000042412.45), dbSNP rs363836, ClinGen allele CA016776.